The following is an entry in ClinVar:

ClinVar aggregate classification (germline): Uncertain significance. Review status: criteria provided, multiple submitters, no conflicts (2 of 4 stars). 2 submissions from 2 submitters: Uncertain significance (2). Last evaluated 2022-12-14.

Allele frequency attached by ClinVar (database versions not stated): gnomAD exomes below 0.00001; TOPMed below 0.00001; ExAC 0.00001.

Submissions (2):

Labcorp Genetics (formerly Invitae), Labcorp
Classification: Uncertain significance. Last evaluated: 2022-12-14. Review status: criteria provided, single submitter. Criteria: Invitae Variant Classification Sherloc (09022015). Collection method: clinical testing. Allele origin: germline.
Comment: This variant has not been reported in the literature in individuals affected with USH2A-related conditions. ClinVar contains an entry for this variant (Variation ID: 844876). Algorithms developed to predict the effect of missense changes on protein structure and function (SIFT, PolyPhen-2, Align-GVGD) all suggest that this variant is likely to be disruptive. In summary, the available evidence is currently insufficient to determine the role of this variant in disease. Therefore, it has been classified as a Variant of Uncertain Significance. This variant is present in population databases (rs754131049, gnomAD 0.003%). This sequence change replaces isoleucine, which is neutral and non-polar, with serine, which is neutral and polar, at codon 4283 of the USH2A protein (p.Ile4283Ser).

Blueprint Genetics
Classification: Uncertain significance. Last evaluated: 2019-07-18. Review status: criteria provided, single submitter. Criteria: ACMG Guidelines, 2015. Collection method: clinical testing. Allele origin: germline.

NM_206933.4(USH2A):c.12848T>G (p.Ile4283Ser)

Gene: USH2A (usherin; minus strand). Cytogenetic location: 1q41.
Variant type: single nucleotide variant.
Coding change: c.12848T>G on transcript NM_206933.4 (MANE Select); coding-DNA position 12848, T replaced by G.
Protein change: p.Ile4283Ser; replaces isoleucine 4283 with serine.
Molecular consequence: missense variant.
Genome position (GRCh38, 1-based): chr1:215,675,063, A>C on the plus strand (T>G on the coding strand, the complement: USH2A is on the minus strand). VCF-style: chr1-215675063-A-C. GRCh37 (hg19) VCF-style: chr1-215848405-A-C.
Other names: short protein forms I4283S.
Identifiers: ClinVar variation 844876 (VCV000844876.10), dbSNP rs754131049, ClinGen allele CA1393398.
Genomic context (GRCh38, chr1:215,675,063, plus strand): 5'-TTCCTTTGAAGCCTATAGGACTGGATAATACCATTAGACTGTTCTGGTGGGATCCAGGAA[A>C]TCAGCAGTTTTTGGGGATTCATAGAAACATAGGATATCACAGGTGGAGAGAGACCTTCTG-3'
Protein context (NP_996816.3, residues 4273-4293): YVSMNPQKLL[Ile4283Ser]SWIPPEQSNG